The following is an entry in ClinVar:

ClinVar aggregate classification (germline): Uncertain significance. Review status: criteria provided, multiple submitters, no conflicts (2 of 4 stars). 3 submissions from 3 submitters: Uncertain significance (3). Last evaluated 2025-09-27.

Conditions:
Hereditary cancer-predisposing syndrome. Also called: Neoplastic Syndromes, Hereditary; Tumor predisposition; Hereditary Cancer Syndrome; Hereditary neoplastic syndrome. Identifiers: Orphanet 140162, MedGen C0027672, MeSH D009386, MONDO:0015356.

Submissions (3):

Quest Diagnostics Nichols Institute San Juan Capistrano
Classification: Uncertain significance. Last evaluated: 2025-09-27. Review status: criteria provided, single submitter. Criteria: Quest Diagnostics criteria. Collection method: clinical testing. Allele origin: unknown.
Comment: The POLE c.1057G>A (p.Glu353Lys) variant has not been reported in individuals with POLE-related conditions in the published literature. This variant has not been reported in large, multi-ethnic general populations (Genome Aggregation Database). Analysis of this variant using bioinformatics tools for the prediction of the effect of amino acid changes on protein structure and function yielded conflicting predictions that this variant is deleterious or benign. Based on the available information, we are unable to determine the clinical significance of this variant.

Ambry Genetics
Classification: Uncertain significance for Hereditary cancer-predisposing syndrome. Last evaluated: 2025-08-01. Review status: criteria provided, single submitter. Criteria: Ambry Variant Classification Scheme 2023. Collection method: clinical testing. Allele origin: germline.
Comment: The p.E353K variant (also known as c.1057G>A), located in coding exon 11 of the POLE gene, results from a G to A substitution at nucleotide position 1057. The glutamic acid at codon 353 is replaced by lysine, an amino acid with similar properties. This amino acid position is conserved. In addition, the in silico prediction for this alteration is inconclusive. Based on the available evidence, the clinical significance of this variant remains unclear.

Labcorp Genetics (formerly Invitae), Labcorp
Classification: Uncertain significance. Last evaluated: 2022-03-06. Review status: criteria provided, single submitter. Criteria: Invitae Variant Classification Sherloc (09022015). Collection method: clinical testing. Allele origin: germline.
Comment: This sequence change replaces glutamic acid, which is acidic and polar, with lysine, which is basic and polar, at codon 353 of the POLE protein (p.Glu353Lys). This variant is not present in population databases (gnomAD no frequency). This variant has not been reported in the literature in individuals affected with POLE-related conditions. Algorithms developed to predict the effect of missense changes on protein structure and function are either unavailable or do not agree on the potential impact of this missense change (SIFT: "Deleterious"; PolyPhen-2: "Benign"; Align-GVGD: "Class C0"). In summary, the available evidence is currently insufficient to determine the role of this variant in disease. Therefore, it has been classified as a Variant of Uncertain Significance.

NM_006231.4(POLE):c.1057G>A (p.Glu353Lys)

Gene: POLE (DNA polymerase epsilon, catalytic subunit; minus strand). Cytogenetic location: 12q24.33.
Variant type: single nucleotide variant.
Coding change: c.1057G>A on transcript NM_006231.4 (MANE Select); coding-DNA position 1057, G replaced by A.
Protein change: p.Glu353Lys; replaces glutamic acid 353 with lysine.
Molecular consequence: missense variant.
Genome position (GRCh38, 1-based): chr12:132,675,784, C>T on the plus strand (G>A on the coding strand, the complement: POLE is on the minus strand). VCF-style: chr12-132675784-C-T. GRCh37 (hg19) VCF-style: chr12-133252370-C-T.
Other names: short protein forms E353K.
Identifiers: ClinVar variation 1778952 (VCV001778952.9), dbSNP rs2136011566, ClinGen allele CA387361585.